The following is an entry in ClinVar:

NC_000019.10:g.(?_55151824)_(55154840_?)del

Gene: TNNI3 (troponin I3, cardiac type; minus strand). Cytogenetic location: 19q13.42.
Variant type: Deletion.
Identifiers: ClinVar variation 832684 (VCV000832684.2).

ClinVar aggregate classification (germline): Uncertain significance (1 of 4 stars; one submission).

Conditions:
Hypertrophic cardiomyopathy. Also called: HYPERTROPHIC MYOCARDIOPATHY. Identifiers: Orphanet 217569, MedGen C0007194, MeSH D002312, MONDO:0005045, HP:0001639.

Submission:

Labcorp Genetics (formerly Invitae), Labcorp
Classification: Uncertain significance for Hypertrophic cardiomyopathy. Last evaluated: 2019-11-15. Review status: criteria provided, single submitter. Criteria: Invitae Variant Classification Sherloc (09022015). Collection method: clinical testing. Allele origin: germline.
Comment: This variant is a gross deletion of the genomic region encompassing exons 6-8 of the TNNI3 gene. The 5' boundary is likely confined to intron 5. The 3' end of this event is unknown as it extends through the termination codon beyond the assayed region for this gene and may encompass additional genes. While this deletion is not anticipated to result in nonsense mediated decay, it is expected to create a truncated protein product or disrupt mRNA translation. This variant has not been reported in the literature in individuals with TNNI3-related disease. Experimental studies and prediction algorithms are not available or were not evaluated for this variant, and the functional significance of this variant is currently unknown. In summary, the available evidence is currently insufficient to determine the role of this variant in disease. Therefore, it has been classified as a Variant of Uncertain Significance.